The following is an entry in ClinVar:

NM_001170629.2(CHD8):c.2729G>A (p.Arg910Gln)

Gene: CHD8 (chromodomain helicase DNA binding protein 8; minus strand). Cytogenetic location: 14q11.2.
Variant type: single nucleotide variant.
Coding change: c.2729G>A on transcript NM_001170629.2 (MANE Select); coding-DNA position 2729, G replaced by A.
Protein change: p.Arg910Gln; replaces arginine 910 with glutamine.
Molecular consequence: missense variant.
Genome position (GRCh38, 1-based): chr14:21,408,313, C>T on the plus strand (G>A on the coding strand, the complement: CHD8 is on the minus strand). VCF-style: chr14-21408313-C-T. GRCh37 (hg19) VCF-style: chr14-21876472-C-T.
Other names: c.1892G>A, p.Arg631Gln (NM_020920.4); short protein forms R910Q, R631Q.
Identifiers: ClinVar variation 2137551 (VCV002137551.4), dbSNP rs1325007183, ClinGen allele CA388874459.

ClinVar aggregate classification (germline): Uncertain significance (1 of 4 stars; one submission).

Allele frequency attached by ClinVar (database versions not stated): gnomAD exomes 0.00001; TOPMed 0.00002; gnomAD 0.00003.
gnomAD v4.1: 19 of 1,611,194 alleles (0.0012%); highest among the groups gnomAD compares: Non-Finnish European, 0.0013%; no homozygotes.

Submission:

Labcorp Genetics (formerly Invitae), Labcorp
Classification: Uncertain significance. Last evaluated: 2025-12-01. Review status: criteria provided, single submitter. Criteria: Invitae Variant Classification Sherloc (09022015). Collection method: clinical testing. Allele origin: germline.
Comment: This sequence change replaces arginine, which is basic and polar, with glutamine, which is neutral and polar, at codon 910 of the CHD8 protein (p.Arg910Gln). This variant is present in population databases (no rsID available, gnomAD 0.007%). This missense change has been observed in individual(s) with CHD8-related conditions (PMID: 24998929, 27824329, 38438524). ClinVar contains an entry for this variant (Variation ID: 2137551). Invitae Evidence Modeling of protein sequence and biophysical properties (such as structural, functional, and spatial information, amino acid conservation, physicochemical variation, residue mobility, and thermodynamic stability) indicates that this missense variant is not expected to disrupt CHD8 protein function with a negative predictive value of 95%. Experimental studies have shown that this missense change does not substantially affect CHD8 function (PMID: 38438524). In summary, the available evidence is currently insufficient to determine the role of this variant in disease. Therefore, it has been classified as a Variant of Uncertain Significance.

Literature cited by the submitters: PubMed 24998929; PubMed 27824329; PubMed 38438524.